The following is an entry in ClinVar:

NR_001564.3(XIST):n.6390C>T

Gene: XIST (X inactive specific transcript; minus strand). Cytogenetic location: Xq13.2.
Variant type: single nucleotide variant.
Genome position: GRCh38 VCF-style: chrX-73846325-G-A. GRCh37 (hg19) VCF-style: chrX-73066160-G-A.
Identifiers: ClinVar variation 3041667 (VCV003041667.2), dbSNP rs144237473, ClinGen allele CA10453238.

ClinVar aggregate classification (germline): Likely benign (0 of 4 stars; one submission).

Conditions:
XIST-related disorder. Also called: XIST-related condition.

Allele frequency attached by ClinVar (database versions not stated): gnomAD exomes 0.00220; ExAC 0.00497; 1000 Genomes Project 30x 0.01436; 1000 Genomes Project 0.01483; ESP Exome Variant Server 0.01657; TOPMed 0.01953.
gnomAD v4.1: 2,787 of 556,553 alleles (0.5%); highest among the groups gnomAD compares: African/African-American, 5.5%; 56 homozygotes.

Submission:

PreventionGenetics, part of Exact Sciences
Classification: Likely benign for XIST-related condition. Last evaluated: 2020-01-28. Review status: no assertion criteria provided. Collection method: clinical testing. Allele origin: germline.
Comment: This variant is classified as likely benign based on ACMG/AMP sequence variant interpretation guidelines (Richards et al. 2015 PMID: 25741868, with internal and published modifications).